The following is an entry in ClinVar:

NM_000057.4(BLM):c.2923del (p.Gln975fs)

Gene: BLM (BLM RecQ like helicase; plus strand). Cytogenetic location: 15q26.1.
Variant type: Deletion.
Coding change: c.2923del on transcript NM_000057.4 (MANE Select); coding-DNA position 2923, one base deleted (C; older notation c.2923delC).
Protein change: p.Gln975fs; shifts the reading frame from glutamine 975.
Molecular consequence: frameshift variant.
Genome position (GRCh38, 1-based): chr15:90,790,748, C deleted; the last of 2 consecutive C bases (chr15:90,790,747-90,790,748); deleting either gives the same sequence. VCF-style (leftmost placement, unchanged base first): chr15-90790746-AC-A. GRCh37 (hg19) VCF-style: chr15-91333976-AC-A.
Other names: c.2923del (LRG_20t1, NM_000057.3); c.2923del, p.Gln975fs (NM_001287246.2, NM_001287247.2); c.1798del, p.Gln600fs (NM_001287248.2); c.2923delC (NM_000057.2); short protein forms Q600fs, Q975fs.
Identifiers: ClinVar variation 42076 (VCV000042076.40), dbSNP rs367543014, ClinGen allele CA287086.

ClinVar aggregate classification (germline): Pathogenic. Review status: criteria provided, multiple submitters, no conflicts (2 of 4 stars). 14 submissions from 14 submitters: Pathogenic (12). 2 of the submissions do not count toward it. Last evaluated 2025-12-10.

Conditions:
BLM-related disorder. Also called: BLM-related condition.
Hereditary cancer-predisposing syndrome. Also called: Hereditary neoplastic syndrome; Neoplastic Syndromes, Hereditary; Hereditary Cancer Syndrome; Tumor predisposition. Identifiers: Orphanet 140162, MedGen C0027672, MeSH D009386, MONDO:0015356.
Bloom syndrome (BLM). Also called: Bloom-Torre-Machacek syndrome. Identifiers: Orphanet 125, MedGen C0005859, MONDO:0008876, OMIM 210900.

Submissions (14):

Labcorp Genetics (formerly Invitae), Labcorp
Classification: Pathogenic for Bloom syndrome. Last evaluated: 2025-12-10. Review status: criteria provided, single submitter. Criteria: Invitae Variant Classification Sherloc (09022015). Collection method: clinical testing. Allele origin: germline.
Comment: This sequence change creates a premature translational stop signal (p.Gln975Lysfs*24) in the BLM gene. It is expected to result in an absent or disrupted protein product. Loss-of-function variants in BLM are known to be pathogenic (PMID: 17407155). This variant is present in population databases (rs752505986, gnomAD 0.009%). This premature translational stop signal has been observed in individual(s) with Bloom syndrome (PMID: 17407155). ClinVar contains an entry for this variant (Variation ID: 42076). For these reasons, this variant has been classified as Pathogenic.

Myriad Genetics, Inc.
Classification: Pathogenic for Bloom syndrome. Last evaluated: 2025-12-10. Review status: criteria provided, single submitter. Criteria: Myriad Autosomal Dominant, Autosomal Recessive and X-Linked Classification Criteria (2023). Collection method: clinical testing. Allele origin: unknown.
Comment: This variant is considered pathogenic. This variant creates a frameshift predicted to result in premature protein truncation.

Natera, Inc.
Classification: Pathogenic for Bloom syndrome. Last evaluated: 2025-08-31. Review status: criteria provided, single submitter. Criteria: Natera Variant Classification Schema (03/2026). Collection method: clinical testing. Allele origin: germline.
Comment: The c.2923delC variant in BLM is a frameshift variant predicted to shift the reading frame beginning at codon 975 and leads to a stop codon 24 codons downstream. This variant is expected to result in nonsense mediated decay, truncation, or a dysfunctional protein product. This variant is rare in the general population with a frequency below the threshold expected for the associated phenotype(s). This variant has been observed in one or more individuals affected with the associated recessive disease, as either homozygous or compound heterozygous with a second variant (PMID: 17407155). Given the available evidence, this variant is classified as Pathogenic.

Quest Diagnostics Nichols Institute San Juan Capistrano
Classification: Pathogenic. Last evaluated: 2024-06-25. Review status: criteria provided, single submitter. Criteria: Quest Diagnostics criteria. Collection method: clinical testing. Allele origin: unknown.
Comment: The BLM c.2923del (p.Gln975Lysfs*24) variant alters the translational reading frame of the BLM mRNA and causes the premature termination of BLM protein synthesis. This variant has been reported in the published literature in in individuals with Bloom Syndrome (PMID: 17407155 (2007)), endometrial cancer (PMID: 36744932 (2023)), and early onset breast cancer (PMID: 26681682 (2016)). The frequency of this variant in the general population, 0.000053 (6/113720 chromosomes (Genome Aggregation Database)), is uninformative in the assessment of its pathogenicity. Based on the available information, this variant is classified as pathogenic.

Fulgent Genetics
Classification: Pathogenic for Bloom syndrome. Last evaluated: 2024-06-10. Review status: criteria provided, single submitter. Criteria: ACMG Guidelines, 2015. Collection method: clinical testing. Allele origin: germline.

St. Jude Molecular Pathology, St. Jude Children's Research Hospital
Classification: Pathogenic for Bloom syndrome. Last evaluated: 2024-03-20. Review status: criteria provided, single submitter. Criteria: St. Jude Assertion Criteria 2020. Collection method: clinical testing. Allele origin: germline.
Comment: The BLM c.2923del (p.Gln975LysfsTer24) change deletes one nucleotide to cause a frameshift and the creation of a premature stop codon. This change is predicted to cause protein truncation or absence of protein due to nonsense-mediated decay. This variant has been observed in homozygous status and/or compound heterozygous status in individuals with Bloom syndrome (PMID: 17407155). This variant has a maximum subpopulation frequency of 0.005% in gnomAD v2.1.1. In summary, this variant meets criteria to be classified as pathogenic.

Baylor Genetics
Classification: Pathogenic for Bloom syndrome. Last evaluated: 2023-11-24. Review status: criteria provided, single submitter. Criteria: ACMG Guidelines, 2015. Collection method: clinical testing. Allele origin: unknown.

Ambry Genetics
Classification: Pathogenic for Hereditary cancer-predisposing syndrome. Last evaluated: 2022-04-15. Review status: criteria provided, single submitter. Criteria: Ambry Variant Classification Scheme 2023. Collection method: clinical testing. Allele origin: germline.
Comment: The c.2923delC pathogenic mutation, located in coding exon 14 of the BLM gene, results from a deletion of one nucleotide at nucleotide position 2923, causing a translational frameshift with a predicted alternate stop codon (p.Q975Kfs*24). This alteration has been detected in both a homozygous and compound heterozygous state in several individuals with Bloom syndrome (German J et al. Hum. Mutat., 2007 Aug;28:743-53). In addition to the clinical data presented in the literature, this alteration is expected to result in loss of function by premature protein truncation or nonsense-mediated mRNA decay. As such, this alteration is interpreted as a disease-causing mutation.

Institute for Clinical Genetics, University Hospital TU Dresden, University Hospital TU Dresden
Classification: Pathogenic. Last evaluated: 2021-11-03. Review status: criteria provided, single submitter. Criteria: ACMG Guidelines, 2015. Collection method: clinical testing. Allele origin: germline.

GeneDx
Classification: Pathogenic. Last evaluated: 2021-05-24. Review status: criteria provided, single submitter. Criteria: GeneDx Variant Classification Process June 2021. Collection method: clinical testing. Allele origin: germline. Affected: yes.
Comment: Frameshift variant predicted to result in protein truncation or nonsense mediated decay in a gene for which loss-of-function is a known mechanism of disease Not observed at significant frequency in large population cohorts (Lek et al., 2016) This variant is associated with the following publications: (PMID: 17407155)

Women's Health and Genetics/Laboratory Corporation of America, LabCorp
Classification: Pathogenic for Bloom syndrome. Last evaluated: 2020-12-11. Review status: criteria provided, single submitter. Criteria: LabCorp Variant Classification Summary - May 2015. Collection method: clinical testing. Allele origin: germline.
Comment: Variant summary: BLM c.2923delC (p.Gln975LysfsX24) results in a premature termination codon, predicted to cause a truncation of the encoded protein or absence of the protein due to nonsense mediated decay, which are commonly known mechanisms for disease. Truncations downstream of this position have been classified as pathogenic by our laboratory. The variant allele was found at a frequency of 2.8e-05 in 251432 control chromosomes. c.2923delC has been reported in the literature in multiple individuals affected with Bloom Syndrome in the homozygous and compound heterozygous state (German_2007). To our knowledge, no experimental evidence demonstrating an impact on protein function has been reported. Five clinical diagnostic laboratories have submitted clinical-significance assessments for this variant to ClinVar after 2014 without evidence for independent evaluation. All laboratories classified the variant as pathogenic. Based on the evidence outlined above, the variant was classified as pathogenic.

Eurofins Ntd Llc (ga)
Classification: Pathogenic. Last evaluated: 2015-10-26. Review status: criteria provided, single submitter. Criteria: EGL Classification Definitions 2015. Collection method: clinical testing. Allele origin: germline. Observed: 1 variant allele, 1 heterozygote.

PreventionGenetics, part of Exact Sciences
Classification: Pathogenic for BLM-related condition. Last evaluated: 2023-10-23. Review status: no assertion criteria provided. Collection method: clinical testing. Allele origin: germline. Not counted in ClinVar's aggregate classification.
Comment: The BLM c.2923delC variant is predicted to result in a frameshift and premature protein termination (p.Gln975Lysfs*24). This variant was reported in an individual with Bloom syndrome (German et al 2007. PubMed ID: 17407155). This variant is reported in 0.0053% of alleles in individuals of European (Non-Finnish) descent in gnomAD and is interpreted as pathogenic in ClinVar. Frameshift variants in BLM are expected to be pathogenic. This variant is interpreted as pathogenic.

Counsyl
Classification: Pathogenic for Bloom syndrome. Last evaluated: 2016-04-20. Review status: no assertion criteria provided. Collection method: clinical testing. Allele origin: unknown. Not counted in ClinVar's aggregate classification.

Literature cited by the submitters: PubMed 17407155 (cited by 6 submitters); PubMed 36744932 (cited by Quest Diagnostics Nichols Institute San Juan Capistrano); PubMed 26681682 (cited by Quest Diagnostics Nichols Institute San Juan Capistrano and Women's Health and Genetics/Laboratory Corporation of America, LabCorp).